The following is an entry in ClinVar:

NM_017775.4(TTC19):c.-1C>G

Genes: TTC19 (tetratricopeptide repeat domain 19; plus strand), LOC130060311 (ATAC-STARR-seq lymphoblastoid silent region 8214; plus strand). Cytogenetic location: 17p12.
Variant type: single nucleotide variant.
Coding change: c.-1C>G on transcript NM_017775.4 (MANE Select); 1 bases upstream of the start codon, C replaced by G.
Molecular consequence: 5 prime UTR variant.
Genome position (GRCh38, 1-based): chr17:15,999,848, C>G. VCF-style: chr17-15999848-C-G. GRCh37 (hg19) VCF-style: chr17-15903162-C-G.
Other names: c.-459C>G (NM_001271420.2).
Identifiers: ClinVar variation 1302506 (VCV001302506.2), dbSNP rs2302414, ClinGen allele CA8407231.

ClinVar aggregate classification (germline): Uncertain significance (1 of 4 stars; one submission).

gnomAD v4.1: 56 of 1,520,678 alleles (0.0037%); highest among the groups gnomAD compares: South Asian, 0.066%; 1 homozygote.

Submission:

GeneDx
Classification: Uncertain significance. Last evaluated: 2019-06-21. Review status: criteria provided, single submitter. Criteria: GeneDx Variant Classification Process June 2021. Collection method: clinical testing. Allele origin: germline. Affected: yes.
Comment: Has not been previously published as pathogenic or benign to our knowledge; Located within the 5'UTR; alters Kozak consensus sequence